The following is an entry in ClinVar:

NM_015202.5(KATNIP):c.139del (p.Arg47fs)

Gene: KATNIP (katanin interacting protein; plus strand). Cytogenetic location: 16p12.1.
Variant type: Deletion.
Coding change: c.139del on transcript NM_015202.5 (MANE Select); coding-DNA position 139, one base deleted (C; older notation c.139delC).
Protein change: p.Arg47fs; shifts the reading frame from arginine 47.
Molecular consequence: frameshift variant.
Genome position (GRCh38, 1-based): chr16:27,618,500, C deleted; the last of 2 consecutive C bases (chr16:27,618,499-27,618,500); deleting either gives the same sequence. VCF-style (leftmost placement, unchanged base first): chr16-27618498-AC-A. GRCh37 (hg19) VCF-style: chr16-27629819-AC-A.
Other names: short protein forms R47fs.
Identifiers: ClinVar variation 5018661 (VCV005018661.2).

ClinVar aggregate classification (germline): Likely pathogenic (1 of 4 stars; one submission).

Conditions:
Joubert syndrome 26 (JBTS26). Identifiers: Orphanet 475, MedGen C4084843, MONDO:0014771, OMIM 616784.

Submission:

Juno Genomics, Hangzhou Juno Genomics, Inc
Classification: Likely pathogenic for Joubert syndrome 26. Review status: criteria provided, single submitter. Criteria: ACMG Guidelines, 2015. Collection method: clinical testing. Allele origin: germline.
Comment: Absent from controls (or at extremely low frequency if recessive) in Genome Aggregation Database.;Null variant in a gene where loss of function (LOF) is a known mechanism of disease.